The following is an entry in ClinVar:

ClinVar aggregate classification (germline): Likely benign. Review status: criteria provided, multiple submitters, no conflicts (2 of 4 stars). 3 submissions from 3 submitters: Likely benign (2). 1 of the submissions does not count toward it. Last evaluated 2026-01-19.

Conditions:
SON-related disorder. Also called: SON-related condition.

Allele frequency attached by ClinVar (database versions not stated): gnomAD 0.00002; ExAC 0.00005; TOPMed 0.00005; 1000 Genomes Project 30x 0.00016; 1000 Genomes Project 0.00020.
gnomAD v4.1: 40 of 1,613,618 alleles (0.0025%); highest among the groups gnomAD compares: East Asian, 0.013%; no homozygotes.

Submissions (3):

Labcorp Genetics (formerly Invitae), Labcorp
Classification: Likely benign. Last evaluated: 2026-01-19. Review status: criteria provided, single submitter. Criteria: Invitae Variant Classification Sherloc (09022015). Collection method: clinical testing. Allele origin: germline.

CeGaT Center for Human Genetics Tuebingen
Classification: Likely benign. Last evaluated: 2023-10-01. Review status: criteria provided, single submitter. Criteria: CeGaT Center For Human Genetics Tuebingen Variant Classification Criteria Version 2. Collection method: clinical testing. Allele origin: germline. Affected: yes. Observed: 1 variant allele.
Comment: SON: BP4, BP7

PreventionGenetics, part of Exact Sciences
Classification: Likely benign for SON-related condition. Last evaluated: 2023-12-26. Review status: no assertion criteria provided. Collection method: clinical testing. Allele origin: germline. Not counted in ClinVar's aggregate classification.
Comment: This variant is classified as likely benign based on ACMG/AMP sequence variant interpretation guidelines (Richards et al. 2015 PMID: 25741868, with internal and published modifications).

NM_138927.4(SON):c.138G>A (p.Ala46=)

Gene: SON (SON DNA and RNA binding protein; plus strand). Cytogenetic location: 21q22.11.
Variant type: single nucleotide variant.
Coding change: c.138G>A on transcript NM_138927.4 (MANE Select); coding-DNA position 138, G replaced by A.
Protein change: p.Ala46=; no amino-acid change (alanine 46 retained).
Molecular consequence: synonymous variant. On other transcripts: non-coding transcript variant (1).
Genome position (GRCh38, 1-based): chr21:33,546,273, G>A. VCF-style: chr21-33546273-G-A. GRCh37 (hg19) VCF-style: chr21-34918579-G-A.
Other names: c.138G>A (NM_138927.2); c.138G>A, p.Ala46= (NM_001291411.2, NM_001291412.3, NM_001412132.1 and 4 more transcripts).
Identifiers: ClinVar variation 2652605 (VCV002652605.28), dbSNP rs536267719, ClinGen allele CA10008603.